The following is an entry in ClinVar:

NM_001134407.3(GRIN2A):c.3154C>T (p.Leu1052Phe)

Gene: GRIN2A (glutamate ionotropic receptor NMDA type subunit 2A; minus strand). Cytogenetic location: 16p13.2.
Variant type: single nucleotide variant.
Coding change: c.3154C>T on transcript NM_001134407.3 (MANE Select); coding-DNA position 3154, C replaced by T.
Protein change: p.Leu1052Phe; replaces leucine 1052 with phenylalanine.
Molecular consequence: missense variant.
Genome position (GRCh38, 1-based): chr16:9,764,390, G>A on the plus strand (C>T on the coding strand, the complement: GRIN2A is on the minus strand). VCF-style: chr16-9764390-G-A. GRCh37 (hg19) VCF-style: chr16-9858247-G-A.
Other names: c.3154C>T, p.Leu1052Phe (NM_000833.5, NM_001134408.2); short protein forms L1052F.
Identifiers: ClinVar variation 2572189 (VCV002572189.1), dbSNP rs2505968734, ClinGen allele CA394708553.
Genomic context (GRCh38, chr16:9,764,390, plus strand): 5'-TGTGGCACGTGGCCCGATTTGACGTTTCTGAAATGTCAGAGTGGGCCATCTCTTCTGGAA[G>A]ATACCTAGGGCTCTTTAGGGAGTGGGTCCTATTCTCTGCTGTTGCCTCATCCCTCTGGGA-3'
Protein context (NP_001127879.1, residues 1042-1062): RTHSLKSPRY[Leu1052Phe]PEEMAHSDIS

ClinVar aggregate classification (germline): Uncertain significance (1 of 4 stars; one submission).

gnomAD v4.1: 1 of 1,614,134 alleles (0.000062%); no homozygotes.

Submission:

Greenwood Genetic Center Diagnostic Laboratories, Greenwood Genetic Center
Classification: Uncertain significance. Last evaluated: 2023-05-03. Review status: criteria provided, single submitter. Criteria: ACMG Guidelines, 2015. Collection method: clinical testing. Allele origin: germline. Affected: yes.
Comment: PM2, BP4